The following is an entry in ClinVar:

NM_015978.3(TNNI3K):c.512T>C (p.Leu171Ser)

Genes: FPGT-TNNI3K (FPGT-TNNI3K readthrough; plus strand), TNNI3K (TNNI3 interacting kinase; plus strand). Cytogenetic location: 1p31.1.
Variant type: single nucleotide variant.
Coding change: c.512T>C on transcript NM_015978.3 (MANE Select); coding-DNA position 512, T replaced by C.
Protein change: p.Leu171Ser; replaces leucine 171 with serine.
Molecular consequence: missense variant.
Genome position (GRCh38, 1-based): chr1:74,331,517, T>C. VCF-style: chr1-74331517-T-C. GRCh37 (hg19) VCF-style: chr1-74797201-T-C.
Other names: p.Leu171Ser; c.815T>C, p.Leu272Ser (NM_001112808.3, NM_001199327.2); short protein forms L171S, L272S.
Identifiers: ClinVar variation 1284792 (VCV001284792.40), dbSNP rs6685961, ClinGen allele CA908924.

ClinVar aggregate classification (germline): Benign/Likely benign. Review status: criteria provided, multiple submitters, no conflicts (2 of 4 stars). 10 submissions from 10 submitters: Benign (1); Likely benign (5). 4 of the submissions do not count toward it. Last evaluated 2026-09-01.

Conditions:
TNNI3K-related disorder. Also called: TNNI3K-related condition.
Atrial conduction disease. Identifiers: Orphanet 436242, MedGen CN221670, MONDO:0014500.

Allele frequency attached by ClinVar (database versions not stated): 1000 Genomes Project 30x 0.00031; 1000 Genomes Project 0.00040; TOPMed 0.00095; ESP Exome Variant Server 0.00138; gnomAD 0.00169 and 0.00171; gnomAD exomes 0.00185; ExAC 0.00187.
gnomAD v4.1: 2,614 of 1,613,740 alleles (0.16%); highest among the groups gnomAD compares: South Asian, 0.19%; 6 homozygotes.

Submissions (10):

CeGaT Center for Human Genetics Tuebingen
Classification: Likely benign. Last evaluated: 2026-09-01. Review status: criteria provided, single submitter. Criteria: CeGaT Center For Human Genetics Tuebingen Variant Classification Criteria Version 2. Collection method: clinical testing. Allele origin: germline. Affected: yes. Observed: 3 variant alleles.
Comment: TNNI3K: PP3, BS1

Molecular Diagnostic Laboratory for Inherited Cardiovascular Disease, Montreal Heart Institute
Classification: Likely benign. Last evaluated: 2026-03-27. Review status: criteria provided, single submitter. Criteria: ACMG Guidelines, 2015. Collection method: clinical testing. Allele origin: germline. Affected: no.
Comment: PP3, BS1, BP5

Labcorp Genetics (formerly Invitae), Labcorp
Classification: Benign. Last evaluated: 2026-01-27. Review status: criteria provided, single submitter. Criteria: Invitae Variant Classification Sherloc (09022015). Collection method: clinical testing. Allele origin: germline.

Mayo Clinic Laboratories, Mayo Clinic
Classification: Likely benign. Last evaluated: 2025-05-02. Review status: criteria provided, single submitter. Criteria: ACMG Guidelines, 2015. Collection method: clinical testing. Allele origin: germline. Observed: 2 variant alleles.
Comment: BS1, BS2_supporting, PP3_moderate

Blueprint Genetics
Classification: Likely benign. Last evaluated: 2024-11-26. Review status: criteria provided, single submitter. Criteria: ACMG Guidelines, 2015. Collection method: clinical testing. Allele origin: germline.

ARUP Laboratories, Molecular Genetics and Genomics, ARUP Laboratories
Classification: Likely benign for Cardiac conduction disease with or without dilated cardiomyopathy 1. Last evaluated: 2024-11-05. Review status: criteria provided, single submitter. Criteria: ARUP Molecular Germline Variant Investigation Process 2024. Collection method: clinical testing. Allele origin: germline.

PreventionGenetics, part of Exact Sciences
Classification: Likely benign for TNNI3K-related condition. Last evaluated: 2019-12-05. Review status: no assertion criteria provided. Collection method: clinical testing. Allele origin: germline. Not counted in ClinVar's aggregate classification.
Comment: This variant is classified as likely benign based on ACMG/AMP sequence variant interpretation guidelines (Richards et al. 2015 PMID: 25741868, with internal and published modifications).

Clinical Genetics DNA and cytogenetics Diagnostics Lab, Erasmus MC, Erasmus Medical Center
Classification: Benign. Review status: no assertion criteria provided. Collection method: clinical testing. Allele origin: germline. Affected: yes. Study: VKGL Data-share Consensus. Not counted in ClinVar's aggregate classification.

Clinical Genetics, Academic Medical Center
Classification: Benign. Review status: no assertion criteria provided. Collection method: clinical testing. Allele origin: germline. Affected: yes. Study: VKGL Data-share Consensus. Not counted in ClinVar's aggregate classification.

Joint Genome Diagnostic Labs from Nijmegen and Maastricht, Radboudumc and MUMC+
Classification: Benign. Review status: no assertion criteria provided. Collection method: clinical testing. Allele origin: germline. Affected: yes. Study: VKGL Data-share Consensus. Not counted in ClinVar's aggregate classification.

Literature cited by the submitters: PubMed 38813989 (cited by Mayo Clinic Laboratories, Mayo Clinic).